The following is an entry in ClinVar:

NM_005211.4(CSF1R):c.-187G>A

Genes: CSF1R (colony stimulating factor 1 receptor; minus strand), LOC111188152 (CSF1R promoter E1; plus strand). Cytogenetic location: 5q32.
Variant type: single nucleotide variant.
Coding change: c.-187G>A on transcript NM_005211.4; 187 bases upstream of the start codon, G replaced by A.
Molecular consequence: 5 prime UTR variant. On other transcripts: non-coding transcript variant (1).
Genome position (GRCh38, 1-based): chr5:150,113,267, C>T on the plus strand (G>A on the coding strand, the complement: CSF1R is on the minus strand). VCF-style: chr5-150113267-C-T. GRCh37 (hg19) VCF-style: chr5-149492830-C-T.
Other names: c.-292G>A (NM_001375320.1); c.-402G>A (NM_001375321.1).
Identifiers: ClinVar variation 352184 (VCV000352184.7), dbSNP rs11740408, ClinGen allele CA10623751.

ClinVar aggregate classification (germline): Benign (1 of 4 stars; one submission).

Conditions:
Hereditary diffuse leukoencephalopathy with spheroids. Also called: LEUKOENCEPHALOPATHY, ADULT-ONSET, WITH AXONAL SPHEROIDS AND PIGMENTED GLIA. Identifiers: Orphanet 313808, MedGen C3711381, MONDO:0030796.

Allele frequency attached by ClinVar (database versions not stated): TOPMed 0.00482; gnomAD exomes 0.00516; 1000 Genomes Project 0.00280; 1000 Genomes Project 30x 0.00234; gnomAD 0.00668 and 0.00684.
gnomAD v4.1: 1,028 of 155,702 alleles (0.66%); highest among the groups gnomAD compares: Non-Finnish European, 0.83%; 8 homozygotes.

Submission:

Illumina Laboratory Services, Illumina
Classification: Benign for Leukoencephalopathy, diffuse hereditary, with spheroids 1. Last evaluated: 2018-01-12. Review status: criteria provided, single submitter. Criteria: ICSL Variant Classification Criteria 13 December 2019. Collection method: clinical testing. Allele origin: germline.
Comment: This variant was observed in the ICSL laboratory as part of a predisposition screen in an ostensibly healthy population. It had not been previously curated by ICSL or reported in the Human Gene Mutation Database (HGMD: prior to June 1st, 2018), and was therefore a candidate for classification through an automated scoring system. Utilizing variant allele frequency, disease prevalence and penetrance estimates, and inheritance mode, an automated score was calculated to assess if this variant is too frequent to cause the disease. Based on the score and internal cut-off values, a variant classified as benign is not then subjected to further curation. The score for this variant resulted in a classification of benign for this disease.